The following is an entry in ClinVar:

ClinVar aggregate classification (germline): Uncertain significance (1 of 4 stars; one submission).

Submission:

GeneDx
Classification: Uncertain significance. Last evaluated: 2019-08-08. Review status: criteria provided, single submitter. Criteria: GeneDx Variant Classification Process June 2021. Collection method: clinical testing. Allele origin: germline. Affected: yes.
Comment: Not observed in large population cohorts (Lek et al., 2016); In silico analysis, which includes protein predictors and evolutionary conservation, supports a deleterious effect; Has not been previously published as pathogenic or benign to our knowledge

NM_024757.5(EHMT1):c.1745T>G (p.Met582Arg)

Gene: EHMT1 (euchromatic histone lysine methyltransferase 1; plus strand). Cytogenetic location: 9q34.3.
Variant type: single nucleotide variant.
Coding change: c.1745T>G on transcript NM_024757.5 (MANE Select); coding-DNA position 1745, T replaced by G.
Protein change: p.Met582Arg; replaces methionine 582 with arginine.
Molecular consequence: missense variant.
Genome position (GRCh38, 1-based): chr9:137,775,206, T>G. VCF-style: chr9-137775206-T-G. GRCh37 (hg19) VCF-style: chr9-140669658-T-G.
Other names: c.1745T>G, p.Met582Arg (NM_001145527.2); c.1652T>G, p.Met551Arg (NM_001354259.2); c.1724T>G, p.Met575Arg (NM_001354263.2); short protein forms M551R, M575R, M582R.
Identifiers: ClinVar variation 1307747 (VCV001307747.2), dbSNP rs2136649138, ClinGen allele CA375773998.